The following is an entry in ClinVar:

NM_022489.4(INF2):c.2022A>C (p.Gln674His)

Gene: INF2 (inverted formin 2; plus strand). Cytogenetic location: 14q32.33.
Variant type: single nucleotide variant.
Coding change: c.2022A>C on transcript NM_022489.4 (MANE Select); coding-DNA position 2022, A replaced by C.
Protein change: p.Gln674His; replaces glutamine 674 with histidine.
Molecular consequence: missense variant. On other transcripts: non-coding transcript variant (1).
Genome position (GRCh38, 1-based): chr14:104,709,353, A>C. VCF-style: chr14-104709353-A-C. GRCh37 (hg19) VCF-style: chr14-105175690-A-C.
Other names: c.2022A>C, p.Gln674His (NM_001031714.4, NM_001426862.1, NM_001426863.1 and 2 more transcripts); short protein forms Q674H.
Identifiers: ClinVar variation 3753953 (VCV003753953.2).
Genomic context (GRCh38, chr14:104,709,353, plus strand): 5'-GGTCGCTGCTATGATCCGGGCTGGAGATACCACCAAGTTTGATGTGGAGGTTCTCAAACA[A>C]CTCCTTAAGCTCCTTCCCGAGAAGCACGAGGTAAGAGGACCACCCCCACACCCCACCCCC-3'
Protein context (NP_071934.3, residues 664-684): TTKFDVEVLK[Gln674His]LLKLLPEKHE

ClinVar aggregate classification (germline): Uncertain significance (1 of 4 stars; one submission).

Conditions:
Focal segmental glomerulosclerosis 5 (FSGS5). Identifiers: Orphanet 656, MedGen C2750475, MONDO:0013191, OMIM 613237.
Charcot-Marie-Tooth disease dominant intermediate E. Also called: CHARCOT-MARIE-TOOTH NEUROPATHY WITH FOCAL SEGMENTAL GLOMERULONEPHRITIS. Identifiers: Orphanet 93114, MedGen C4302667, MONDO:0013758, OMIM 614455.

Submission:

Labcorp Genetics (formerly Invitae), Labcorp
Classification: Uncertain significance for Charcot-Marie-Tooth disease dominant intermediate E; Focal segmental glomerulosclerosis 5. Last evaluated: 2025-01-22. Review status: criteria provided, single submitter. Criteria: Invitae Variant Classification Sherloc (09022015). Collection method: clinical testing. Allele origin: germline.
Comment: This sequence change replaces glutamine, which is neutral and polar, with histidine, which is basic and polar, at codon 674 of the INF2 protein (p.Gln674His). This variant is not present in population databases (gnomAD no frequency). This variant has not been reported in the literature in individuals affected with INF2-related conditions. Invitae Evidence Modeling of protein sequence and biophysical properties (such as structural, functional, and spatial information, amino acid conservation, physicochemical variation, residue mobility, and thermodynamic stability) indicates that this missense variant is not expected to disrupt INF2 protein function with a negative predictive value of 95%. In summary, the available evidence is currently insufficient to determine the role of this variant in disease. Therefore, it has been classified as a Variant of Uncertain Significance.